The following is an entry in ClinVar:

ClinVar aggregate classification (germline): Pathogenic. Review status: criteria provided, single submitter (1 of 4 stars). 2 submissions from 1 submitter: Pathogenic (2). Last evaluated 2023-11-13.

Conditions:
Fanconi anemia (FA). Also called: Fanconi's anemia. Identifiers: Orphanet 84, MedGen C0015625, MeSH D005199, MONDO:0019391.
Progressive sclerosing poliodystrophy (MTDPS4A). Also called: ALPERS PROGRESSIVE INFANTILE POLIODYSTROPHY; NEURONAL DEGENERATION OF CHILDHOOD WITH LIVER DISEASE, PROGRESSIVE; Mitochondrial DNA Depletion Syndrome 4A; Alpers-Huttenlocher Syndrome (AHS); Alpers Syndrome; ALPERS DIFFUSE DEGENERATION OF CEREBRAL GRAY MATTER WITH HEPATIC CIRRHOSIS. Identifiers: Orphanet 726, MedGen C0205710, MONDO:0008758, OMIM 203700.

Submissions (2):

Labcorp Genetics (formerly Invitae), Labcorp
Classification: Pathogenic for Fanconi anemia. Last evaluated: 2023-11-13. Review status: criteria provided, single submitter. Criteria: Invitae Variant Classification Sherloc (09022015). Collection method: clinical testing. Allele origin: unknown.
Comment: This variant is a gross deletion of the genomic region encompassing exon(s) 18-38 of the FANCI gene, which includes the termination codon. This deletion extends beyond the assayed region for this gene and therefore may encompass additional genes. While this deletion is not anticipated to lead to nonsense mediated decay, it is expected to alter mRNA translation or result in a truncated protein product. This variant has not been reported in the literature in individuals affected with FANCI-related conditions. This variant disrupts a region of the FANCI protein in which other variant(s) (p.Arg1299*) have been determined to be pathogenic (PMID: 17452773, 17460694; Invitae). This suggests that this is a clinically significant region of the protein, and that variants that disrupt it are likely to be disease-causing. For these reasons, this variant has been classified as Pathogenic.

Labcorp Genetics (formerly Invitae), Labcorp
Classification: Pathogenic for Progressive sclerosing poliodystrophy. Last evaluated: 2023-11-13. Review status: criteria provided, single submitter. Criteria: Invitae Variant Classification Sherloc (09022015). Collection method: clinical testing. Allele origin: unknown.
Comment: A gross deletion of the genomic region encompassing the full coding sequence of the POLG gene has been identified. Loss-of-function variants in POLG are known to be pathogenic (PMID: 18546365). The boundaries of this event are unknown as they extend beyond the assayed region for this gene and therefore may encompass additional genes. Isolated whole-gene deletions of POLG have not been reported in the literature. However, larger copy number events that include this gene have been reported (PMID: 23430898). For these reasons, this variant has been classified as Pathogenic.

Literature cited by the submitters: PubMed 17452773; PubMed 17460694; PubMed 18546365; PubMed 23430898.

NC_000015.9:g.(?_89828307)_(89876985_?)del

Genes: FANCI (FA complementation group I; plus strand), POLG (DNA polymerase gamma, catalytic subunit; minus strand). Cytogenetic location: 15q26.1.
Variant type: Deletion.
Identifiers: ClinVar variation 3243700 (VCV003243700.1).